The following is an entry in ClinVar:

ClinVar aggregate classification (germline): Pathogenic (1 of 4 stars; one submission).

Conditions:
Neurofibromatosis, type 1 (NF1). Also called: Neurofibromatosis, type I; VON RECKLINGHAUSEN DISEASE; NEUROFIBROMATOSIS, TYPE I, SOMATIC; Peripheral type neurofibromatosis. Identifiers: Orphanet 636, MedGen C0027831, MONDO:0018975, OMIM 162200. Disease mechanism: loss of function.

Submission:

Labcorp Genetics (formerly Invitae), Labcorp
Classification: Pathogenic for Neurofibromatosis, type 1. Last evaluated: 2023-03-17. Review status: criteria provided, single submitter. Criteria: Invitae Variant Classification Sherloc (09022015). Collection method: clinical testing. Allele origin: germline.
Comment: For these reasons, this variant has been classified as Pathogenic. This sequence change creates a premature translational stop signal (p.Glu445Valfs*5) in the NF1 gene. It is expected to result in an absent or disrupted protein product. Loss-of-function variants in NF1 are known to be pathogenic (PMID: 10712197, 23913538). This variant is not present in population databases (gnomAD no frequency). This variant has not been reported in the literature in individuals affected with NF1-related conditions.

Literature cited by the submitters: PubMed 10712197; PubMed 23913538.

NM_001042492.3(NF1):c.1333_1334insTTTATGTTTGGTG (p.Glu445delinsValTyrValTrpTer)

Gene: NF1 (neurofibromin 1; plus strand). Cytogenetic location: 17q11.2.
Variant type: Insertion.
Coding change: c.1333_1334insTTTATGTTTGGTG on transcript NM_001042492.3 (MANE Select); coding-DNA positions 1333 to 1334, TTTATGTTTGGTG inserted.
Protein change: p.Glu445delinsValTyrValTrpTer.
Molecular consequence: nonsense. On other transcripts: frameshift variant (1).
Genome position: GRCh38 VCF-style: chr17-31206301-A-ATATGTTTGGTGTT. GRCh37 (hg19) VCF-style: chr17-29533319-A-ATATGTTTGGTGTT.
Other names: c.1333_1334insTTTATGTTTGGTG, p.Glu445Valfs (NM_000267.4); c.1333_1334insTTTATGTTTGGTG, p.Glu445delinsValTyrValTrpTer (NM_001128147.3).
Identifiers: ClinVar variation 2842315 (VCV002842315.3), dbSNP rs2544811123, ClinGen allele CA2739267346.